The following is an entry in ClinVar:

NM_004523.4(KIF11):c.2118C>T (p.Asn706=)

Gene: KIF11 (kinesin family member 11; plus strand). Cytogenetic location: 10q23.33.
Variant type: single nucleotide variant.
Coding change: c.2118C>T on transcript NM_004523.4 (MANE Select); coding-DNA position 2118, C replaced by T.
Protein change: p.Asn706=; no amino-acid change (asparagine 706 retained).
Molecular consequence: synonymous variant.
Genome position (GRCh38, 1-based): chr10:92,637,503, C>T. VCF-style: chr10-92637503-C-T. GRCh37 (hg19) VCF-style: chr10-94397260-C-T.
Other names: c.2118C>T (NM_004523.3).
Identifiers: ClinVar variation 1943001 (VCV001943001.7), dbSNP rs961135047, ClinGen allele CA211513987.
Genomic context (GRCh38, chr10:92,637,503, plus strand): 5'-ACATGAACTACAAGAAAATACCATTTGTTCCTTGGTTGAGTCACAAAAGCAATGTGGAAA[C>T]CTAACTGAAGACCTGAAGACAATAAAGCAGACCCATTCCCAGGTATGTTGTTTAGCGGAC-3'
Protein context (NP_004514.2, residues 696-716): SLVESQKQCG[Asn706=]LTEDLKTIKQ

ClinVar aggregate classification (germline): Likely benign. Review status: criteria provided, single submitter (1 of 4 stars). 2 submissions from 2 submitters: Likely benign (1). 1 of the submissions does not count toward it. Last evaluated 2024-10-24.

Conditions:
KIF11-related disorder. Also called: KIF11-related condition.

Allele frequency attached by ClinVar (database versions not stated): gnomAD 0.00001.
gnomAD v4.1: 4 of 1,606,622 alleles (0.00025%); highest among the groups gnomAD compares: African/African-American, 0.0054%; no homozygotes.

Submissions (2):

Labcorp Genetics (formerly Invitae), Labcorp
Classification: Likely benign. Last evaluated: 2024-10-24. Review status: criteria provided, single submitter. Criteria: Invitae Variant Classification Sherloc (09022015). Collection method: clinical testing. Allele origin: germline.

PreventionGenetics, part of Exact Sciences
Classification: Likely benign for KIF11-related condition. Last evaluated: 2019-11-06. Review status: no assertion criteria provided. Collection method: clinical testing. Allele origin: germline. Not counted in ClinVar's aggregate classification.
Comment: This variant is classified as likely benign based on ACMG/AMP sequence variant interpretation guidelines (Richards et al. 2015 PMID: 25741868, with internal and published modifications).